The following is an entry in ClinVar:

NM_002470.4(MYH3):c.5462G>A (p.Arg1821Gln)

Gene: MYH3 (myosin heavy chain 3; minus strand). Cytogenetic location: 17p13.1.
Variant type: single nucleotide variant.
Coding change: c.5462G>A on transcript NM_002470.4 (MANE Select); coding-DNA position 5462, G replaced by A.
Protein change: p.Arg1821Gln; replaces arginine 1821 with glutamine.
Molecular consequence: missense variant.
Genome position (GRCh38, 1-based): chr17:10,630,192, C>T on the plus strand (G>A on the coding strand, the complement: MYH3 is on the minus strand). VCF-style: chr17-10630192-C-T. GRCh37 (hg19) VCF-style: chr17-10533509-C-T.
Other names: short protein forms R1821Q.
Identifiers: ClinVar variation 2729514 (VCV002729514.3), dbSNP rs767892414, ClinGen allele CA8391911.
Genomic context (GRCh38, chr17:10,630,192, plus strand): 5'-AGGCCCTTAACAGACTCTGTGTTCTTCTTCTGCTCTCCCTCAAGTTCAAACTCCAGCTCT[C>T]GGATCTGGGGGAGAGGGTGGGGAAATTAGTCTGGGGCTGCAGCGTGATTGGGAGGCTGGA-3'
Protein context (NP_002461.2, residues 1811-1831): KQIQKLETRI[Arg1821Gln]ELEFELEGEQ

ClinVar aggregate classification (germline): Uncertain significance (1 of 4 stars; one submission).

Allele frequency attached by ClinVar (database versions not stated): gnomAD exomes below 0.00001; TOPMed below 0.00001; ExAC 0.00001.
gnomAD v4.1: 2 of 1,614,136 alleles (0.00012%); highest among the groups gnomAD compares: Non-Finnish European, 0.00017%; no homozygotes.

Submission:

Labcorp Genetics (formerly Invitae), Labcorp
Classification: Uncertain significance. Last evaluated: 2024-08-08. Review status: criteria provided, single submitter. Criteria: Invitae Variant Classification Sherloc (09022015). Collection method: clinical testing. Allele origin: germline.
Comment: This sequence change replaces arginine, which is basic and polar, with glutamine, which is neutral and polar, at codon 1821 of the MYH3 protein (p.Arg1821Gln). This variant is present in population databases (rs767892414, gnomAD 0.0009%). This missense change has been observed in individual(s) with clinical features of MYH3-related conditions (PMID: 36964972). Advanced modeling of protein sequence and biophysical properties (such as structural, functional, and spatial information, amino acid conservation, physicochemical variation, residue mobility, and thermodynamic stability) performed at Invitae indicates that this missense variant is not expected to disrupt MYH3 protein function with a negative predictive value of 95%. In summary, the available evidence is currently insufficient to determine the role of this variant in disease. Therefore, it has been classified as a Variant of Uncertain Significance.

Literature cited by the submitters: PubMed 36964972.